The following is an entry in ClinVar:

NM_194277.3(FRMD7):c.342_343dup (p.Asp115fs)

Gene: FRMD7 (FERM domain containing 7; minus strand). Cytogenetic location: Xq26.2.
Variant type: Duplication.
Coding change: c.342_343dup on transcript NM_194277.3 (MANE Select); coding-DNA positions 342 to 343, 2 bases duplicated (TG; older notation c.342_343dupTG).
Protein change: p.Asp115fs; shifts the reading frame from aspartic acid 115.
Molecular consequence: frameshift variant.
Genome position (GRCh38, 1-based): chrX:132,094,081-132,094,082, CA duplicated on the plus strand (TG on the coding strand, the reverse complement: FRMD7 is on the minus strand); duplicating any 2 consecutive bases within chrX:132,094,081-132,094,083 gives the same sequence; the c. name uses the placement nearest the transcript's 3' end. VCF-style (leftmost placement, unchanged base first): chrX-132094080-T-TCA. GRCh37 (hg19) VCF-style: chrX-131228108-T-TCA.
Other names: c.297_298dup, p.Asp100fs (NM_001306193.2); short protein forms D100fs, D115fs.
Identifiers: ClinVar variation 1343928 (VCV001343928.2), dbSNP rs2124241061, ClinGen allele CA2573055109.

ClinVar aggregate classification (germline): Pathogenic (1 of 4 stars; one submission).

Submission:

GeneDx
Classification: Pathogenic. Last evaluated: 2022-11-28. Review status: criteria provided, single submitter. Criteria: GeneDx Variant Classification Process June 2021. Collection method: clinical testing. Allele origin: germline. Affected: yes.
Comment: Frameshift variant predicted to result in protein truncation or nonsense mediated decay in a gene for which loss-of-function is a known mechanism of disease; Not observed in large population cohorts (gnomAD); Has not been previously published as pathogenic or benign to our knowledge